The following is an entry in ClinVar:

NM_001376256.1(CRYM):c.541G>C (p.Val181Leu)

Gene: CRYM (crystallin mu; minus strand). Cytogenetic location: 16p12.2.
Variant type: single nucleotide variant.
Coding change: c.541G>C on transcript NM_001376256.1 (MANE Select); coding-DNA position 541, G replaced by C.
Protein change: p.Val181Leu; replaces valine 181 with leucine.
Molecular consequence: missense variant.
Genome position (GRCh38, 1-based): chr16:21,267,686, C>G on the plus strand (G>C on the coding strand, the complement: CRYM is on the minus strand). VCF-style: chr16-21267686-C-G. GRCh37 (hg19) VCF-style: chr16-21279007-C-G.
Other names: c.541G>C, p.Val181Leu (NM_001888.5); short protein forms V181L.
Identifiers: ClinVar variation 3616271 (VCV003616271.2).

ClinVar aggregate classification (germline): Uncertain significance (1 of 4 stars; one submission).

gnomAD v4.1: 32 of 1,614,246 alleles (0.002%); highest among the groups gnomAD compares: Non-Finnish European, 0.0027%; no homozygotes.

Submission:

Labcorp Genetics (formerly Invitae), Labcorp
Classification: Uncertain significance. Last evaluated: 2024-02-02. Review status: criteria provided, single submitter. Criteria: Invitae Variant Classification Sherloc (09022015). Collection method: clinical testing. Allele origin: germline.
Comment: This sequence change replaces valine, which is neutral and non-polar, with leucine, which is neutral and non-polar, at codon 181 of the CRYM protein (p.Val181Leu). This variant is present in population databases (rs747952711, gnomAD 0.0009%). This variant has not been reported in the literature in individuals affected with CRYM-related conditions. Advanced modeling of protein sequence and biophysical properties (such as structural, functional, and spatial information, amino acid conservation, physicochemical variation, residue mobility, and thermodynamic stability) performed at Invitae indicates that this missense variant is not expected to disrupt CRYM protein function with a negative predictive value of 80%. In summary, the available evidence is currently insufficient to determine the role of this variant in disease. Therefore, it has been classified as a Variant of Uncertain Significance.